The following is an entry in ClinVar:

ClinVar aggregate classification (germline): Pathogenic/Likely pathogenic. Review status: criteria provided, multiple submitters, no conflicts (2 of 4 stars). 7 submissions from 7 submitters: Pathogenic (4); Likely pathogenic (2). 1 of the submissions does not count toward it. Last evaluated 2026-04-14.

Conditions:
THRB-related disorder. Also called: THRB-related condition.
Neurodevelopmental disorder. Identifiers: MedGen C1535926, MeSH D065886, MONDO:0700092.
Thyroid hormone resistance, generalized, autosomal dominant (GRTHD). Also called: HYPERTHYROXINEMIA, FAMILIAL EUTHYROID, SECONDARY TO PITUITARY AND PERIPHERAL RESISTANCE TO THYROID HORMONES. Identifiers: MedGen C2937288, MONDO:0008569, OMIM 188570.

Allele frequency attached by ClinVar (database versions not stated): gnomAD exomes below 0.00001; gnomAD 0.00001; TOPMed 0.00001; ESP Exome Variant Server 0.00008.
gnomAD v4.1: 4 of 1,614,070 alleles (0.00025%); highest among the groups gnomAD compares: Non-Finnish European, 0.00034%; no homozygotes.

Submissions (7):

Women's Health and Genetics/Laboratory Corporation of America, LabCorp
Classification: Pathogenic for Thyroid hormone resistance, generalized, autosomal dominant. Last evaluated: 2026-04-14. Review status: criteria provided, single submitter. Criteria: LabCorp Variant Classification Summary - May 2015. Collection method: clinical testing. Allele origin: germline.
Comment: Variant summary: THRB c.1312C>T (p.Arg438Cys) results in a non-conservative amino acid change located in the Nuclear hormone receptor, ligand-binding domain (IPR000536) of the encoded protein sequence. Algorithms developed to predict the effect of missense changes on protein structure and function all suggest that this variant is likely to be disruptive. The variant was absent in 251486 control chromosomes (gnomAD). c.1312C>T has been reported in the literature in multiple individuals affected with Thyroid Hormone Resistance syndrome (examples: Adams_1994, Macchia_2014, and Toumba_2019). Additionally, in one family the variant was shown to co-segregate with the disease (Toumba_2019). These data indicate that the variant is very likely to be associated with disease. A different variant affecting the same codon has been classified as pathogenic by our lab (c.1313G>A, p.Arg438His), supporting the critical relevance of codon 438 to THRB protein function. Early lethality has been observed in mice when animals are homozygous for this variant in THRalpha (Tinnikov_2002). Functional studies in the mouse model and humans have demonstrated this variant does impair interactions with TR3 (examples: Macchia_2014 and Tinnikov_2002). The following publications have been ascertained in the context of this evaluation (PMID: 8040303, 25040256, 25135573, 12356724, 32581500, 9092799). ClinVar contains an entry for this variant (Variation ID: 492921). Based on the evidence outlined above, the variant was classified as pathogenic.

GeneDx
Classification: Likely pathogenic. Last evaluated: 2026-03-03. Review status: criteria provided, single submitter. Criteria: GeneDx Variant Classification Process June 2021. Collection method: clinical testing. Allele origin: germline.
Comment: Reported in association with THRB-related resistance to thyroid hormone syndrome (PMID: 8040303, 25040256, 32581500); Functional studies suggest that this variant results in reduced transcriptional activity and reduced T3 binding affinity (PMID: 40301009, 25040256, 12356724); In silico analysis supports that this missense variant has a deleterious effect on protein structure/function; Not observed at significant frequency in large population cohorts (gnomAD); This variant is associated with the following publications: (PMID: 12356724, 25040256, 32581500, 40301009, 26041374, 11788648, 8040303, Alkundi2023[CaseReport], 40044557, 34727089)

Quest Diagnostics Nichols Institute San Juan Capistrano
Classification: Pathogenic. Last evaluated: 2024-10-29. Review status: criteria provided, single submitter. Criteria: Quest Diagnostics criteria. Collection method: clinical testing. Allele origin: unknown.
Comment: The THRB c.1312C>T (p.Arg438Cys) variant has been reported in the published literature in individuals and families affected with resistance to thyroid hormone (PMIDs: 34727089 (2021), 25040256 (2014), 20237409 (2010), 8040303 (1994)). Additionally, functional evidence suggests that this variant may impact protein function (PMIDs: 12356724 (2002), 9092799 (1997)). This variant has not been reported in large, multi-ethnic general populations (Genome Aggregation Database). Analysis of this variant using bioinformatics tools for the prediction of the effect of amino acid changes on protein structure and function yielded predictions that this variant is damaging. Based on the available information, this variant is classified as pathogenic.

Laboratory of Molecular Genetics (Pr. Bezieau's lab), CHU de Nantes
Classification: Likely pathogenic for Neurodevelopmental disorder. Last evaluated: 2023-06-12. Review status: criteria provided, single submitter. Criteria: ACMG Guidelines, 2015. Collection method: clinical testing. Allele origin: germline. Affected: yes.

PreventionGenetics, part of Exact Sciences
Classification: Pathogenic for THRB-related condition. Last evaluated: 2022-10-12. Review status: criteria provided, single submitter. Criteria: ACMG Guidelines, 2015. Collection method: clinical testing. Allele origin: germline.
Comment: The THRB c.1312C>T variant is predicted to result in the amino acid substitution p.Arg438Cys. This variant was reported in the heterozygous state in multiple individuals with thyroid hormone resistance (Adams et al. 1994. PubMed ID: 8040303; Macchia et al. 2014. PubMed ID: 25040256; Toumba et al. 2019. PubMed ID: 32581500). Functional analysis of this variant showed that it lead to an impairment of dissociation from corepressors in the presence of thyroid hormone (Yoh et al. 1997. PubMed ID: 9092799). Mouse models of this variant exhibited lowered serum T3 ant T4 levels with growth delay during neonatal period (variant referred to as p.Arg384 in mouse, Ortiga-Carvalho et al. 2014. PubMed ID: 25135573). This variant has not been reported in a large population database, indicating this variant is rare. Of note other variants impacting the same amino acid (p.Arg438His and p.Arg438Pro) has also been reported in patients with thyroid hormone resistance (Han et al. 2015. PubMed ID: 26041374; Cardoso et al. 2014. PubMed ID: 25063548; Esquiaveto-Aun et al. 2015. PubMed ID: 25738994). Based on this evidence, we interpret the c.1312C>T (p.Arg438Cys) variant as pathogenic.

Blueprint Genetics
Classification: Pathogenic for THRB-related disorders. Last evaluated: 2020-11-17. Review status: criteria provided, single submitter. Criteria: ACMG Guidelines, 2015. Collection method: clinical testing. Allele origin: germline. Affected: yes. Observed: 2 variant alleles.

Clinical Molecular Genetics Laboratory, Johns Hopkins All Children's Hospital
Classification: Pathogenic for Thyroid hormone resistance, generalized, autosomal dominant. Last evaluated: 2014-01-28. Review status: no assertion criteria provided. Collection method: clinical testing. Allele origin: germline. Affected: yes. Not counted in ClinVar's aggregate classification.

Literature cited by the submitters: PubMed 8040303 (cited by Women's Health and Genetics/Laboratory Corporation of America, LabCorp and Quest Diagnostics Nichols Institute San Juan Capistrano); PubMed 25040256 (cited by Women's Health and Genetics/Laboratory Corporation of America, LabCorp and Quest Diagnostics Nichols Institute San Juan Capistrano); PubMed 25135573 (cited by Women's Health and Genetics/Laboratory Corporation of America, LabCorp); PubMed 12356724 (cited by Women's Health and Genetics/Laboratory Corporation of America, LabCorp and Quest Diagnostics Nichols Institute San Juan Capistrano); PubMed 32581500 (cited by Women's Health and Genetics/Laboratory Corporation of America, LabCorp); PubMed 9092799 (cited by Women's Health and Genetics/Laboratory Corporation of America, LabCorp and Quest Diagnostics Nichols Institute San Juan Capistrano); PubMed 34727089 (cited by Quest Diagnostics Nichols Institute San Juan Capistrano); PubMed 20237409 (cited by Quest Diagnostics Nichols Institute San Juan Capistrano).

NM_001354712.2(THRB):c.1312C>T (p.Arg438Cys)

Gene: THRB (thyroid hormone receptor beta; minus strand). Cytogenetic location: 3p24.2.
Variant type: single nucleotide variant.
Coding change: c.1312C>T on transcript NM_001354712.2 (MANE Select); coding-DNA position 1312, C replaced by T.
Protein change: p.Arg438Cys; replaces arginine 438 with cysteine.
Molecular consequence: missense variant.
Genome position (GRCh38, 1-based): chr3:24,122,958, G>A on the plus strand (C>T on the coding strand, the complement: THRB is on the minus strand). VCF-style: chr3-24122958-G-A. GRCh37 (hg19) VCF-style: chr3-24164449-G-A.
Other names: c.1312C>T, p.Arg438Cys (NM_000461.5, NM_001128176.3, NM_001128177.2 and 6 more transcripts); c.1219C>T, p.Arg407Cys (NM_001354714.2, NM_001354715.2); short protein forms R438C, R407C.
Identifiers: ClinVar variation 492921 (VCV000492921.10), dbSNP rs367757240, ClinGen allele CA71604941.